The following is an entry in ClinVar:

NM_001367624.2(ZNF469):c.10717G>A (p.Gly3573Arg)

Gene: ZNF469 (zinc finger protein 469; plus strand). Cytogenetic location: 16q24.2.
Variant type: single nucleotide variant.
Coding change: c.10717G>A on transcript NM_001367624.2 (MANE Select); coding-DNA position 10717, G replaced by A.
Protein change: p.Gly3573Arg; replaces glycine 3573 with arginine.
Molecular consequence: missense variant.
Genome position (GRCh38, 1-based): chr16:88,438,187, G>A. VCF-style: chr16-88438187-G-A. GRCh37 (hg19) VCF-style: chr16-88504595-G-A.
Other names: NM_001127464.1:c.10633G>A; NM_001127464.2:c.10633G>A; short protein forms G3573R.
Identifiers: ClinVar variation 1176355 (VCV001176355.52), dbSNP rs183149417, ClinGen allele CA8225546.
Genomic context (GRCh38, chr16:88,438,187, plus strand): 5'-CCGTCTCTGTCTCCCTTCCCAGCTGCCTTGGCTGATGGCAGAGGAGACTGCGCGCTGGAC[G>A]GAGCCCTGGAGAGGCCAGAGAACGAGGCTTCCCCAGGCAGCCCCGGGCCTCTTCTCCAGC-3'
Protein context (NP_001354553.1, residues 3563-3583): ADGRGDCALD[Gly3573Arg]ALERPENEAS

ClinVar aggregate classification (germline): Conflicting classifications of pathogenicity. Review status: criteria provided, conflicting classifications (1 of 4 stars). 8 submissions from 8 submitters: Uncertain significance (2); Benign (1); Likely benign (4). 1 of the submissions does not count toward it. Last evaluated 2026-01-28.

Conditions:
ZNF469-related disorder. Also called: ZNF469-related condition.
Ehlers-Danlos syndrome (EDS). Identifiers: Orphanet 98249, MedGen C0013720, MONDO:0020066.
Cardiovascular phenotype. Identifiers: MedGen CN230736.
Brittle cornea syndrome 1 (BCS1). Also called: CORNEAL FRAGILITY, KERATOGLOBUS, BLUE SCLERAE, JOINT HYPEREXTENSIBILITY; EDS6B; FRAGILITAS OCULI WITH JOINT HYPEREXTENSIBILITY; DYSGENESIS MESODERMALIS CORNEAE ET SCLERAE; Corneal fragility keratoglobus, blue sclerae AND joint hypermobility. Identifiers: Orphanet 90354, MedGen C0268344, MONDO:0024543, OMIM 229200.

Allele frequency attached by ClinVar (database versions not stated): ExAC 0.00017; gnomAD 0.00026 and 0.00042; TOPMed 0.00053; gnomAD exomes 0.00056; 1000 Genomes Project 30x 0.00172; 1000 Genomes Project 0.00180.
gnomAD v4.1: 546 of 1,547,560 alleles (0.035%); highest among the groups gnomAD compares: East Asian, 1.1%; 7 homozygotes.

Submissions (8):

Labcorp Genetics (formerly Invitae), Labcorp
Classification: Likely benign. Last evaluated: 2026-01-28. Review status: criteria provided, single submitter. Criteria: Invitae Variant Classification Sherloc (09022015). Collection method: clinical testing. Allele origin: germline.

Blueprint Genetics
Classification: Likely benign. Last evaluated: 2024-10-30. Review status: criteria provided, single submitter. Criteria: ACMG Guidelines, 2015. Collection method: clinical testing. Allele origin: germline.

Center for Genomics, Ann and Robert H. Lurie Children's Hospital of Chicago
Classification: Likely benign for Brittle cornea syndrome 1. Last evaluated: 2022-02-04. Review status: criteria provided, single submitter. Criteria: ACMG Guidelines, 2015. Collection method: clinical testing. Allele origin: germline.
Comment: This variant has been reported in the literature in the heterozygous state in individuals with features suggestive of a connective tissue disorder or an unspecified inherited eye disorder (Qin 2019 PMID:31279624; Li 2021 PMID:33816482). This variant is present in 0.8% (98/12428) of East Asian alleles in the Genome Aggregation Database, and is present in ClinVar (Variation ID:1176355). Evolutionary conservation and computational predictive tools suggest that this variant may not impact the protein. In summary, data on this variant suggests that this variant does not cause disease but requires further evidence. Therefore, this variant is classified as likely benign.

GeneDx
Classification: Likely benign. Last evaluated: 2021-04-09. Review status: criteria provided, single submitter. Criteria: GeneDx Variant Classification Process June 2021. Collection method: clinical testing. Allele origin: germline. Affected: yes.
Comment: This variant is associated with the following publications: (PMID: 31279624, 28484309)

CeGaT Center for Human Genetics Tuebingen
Classification: Uncertain significance. Last evaluated: 2021-03-01. Review status: criteria provided, single submitter. Criteria: CeGaT Center For Human Genetics Tuebingen Variant Classification Criteria Version 2. Collection method: clinical testing. Allele origin: germline. Affected: yes. Observed: 1 variant allele.

Genome Diagnostics Laboratory, The Hospital for Sick Children
Classification: Uncertain significance for Ehlers-Danlos syndrome. Last evaluated: 2020-05-01. Review status: criteria provided, single submitter. Criteria: ACMG Guidelines, 2015. Collection method: clinical testing. Allele origin: germline.

Ambry Genetics
Classification: Benign for Cardiovascular phenotype. Last evaluated: 2019-07-23. Review status: criteria provided, single submitter. Criteria: Ambry Variant Classification Scheme 2023. Collection method: clinical testing. Allele origin: germline.

PreventionGenetics, part of Exact Sciences
Classification: Benign for ZNF469-related condition. Last evaluated: 2024-06-07. Review status: no assertion criteria provided. Collection method: clinical testing. Allele origin: germline. Not counted in ClinVar's aggregate classification.
Comment: This variant is classified as benign based on ACMG/AMP sequence variant interpretation guidelines (Richards et al. 2015 PMID: 25741868, with internal and published modifications).